The following is an entry in ClinVar:

ClinVar aggregate classification (germline): Likely pathogenic (1 of 4 stars; one submission).

Conditions:
Autosomal recessive nonsyndromic hearing loss 18B. Also called: Deafness, autosomal recessive 18b. Identifiers: Orphanet 90636, MedGen C3554163, MONDO:0013985, OMIM 614945.

Submission:

Juno Genomics, Hangzhou Juno Genomics, Inc
Classification: Likely pathogenic for Autosomal recessive nonsyndromic hearing loss 18B. Review status: criteria provided, single submitter. Criteria: ACMG Guidelines, 2015. Collection method: clinical testing. Allele origin: germline.
Comment: Null variant in a gene where loss of function (LOF) is a known mechanism of disease.;Absent from controls (or at extremely low frequency if recessive) in Genome Aggregation Database.

NM_001292063.2(OTOG):c.3743T>A (p.Leu1248Ter)

Gene: OTOG (otogelin; plus strand). Cytogenetic location: 11p15.1.
Variant type: single nucleotide variant.
Coding change: c.3743T>A on transcript NM_001292063.2 (MANE Select); coding-DNA position 3743, T replaced by A.
Protein change: p.Leu1248Ter; replaces leucine 1248 with a stop codon.
Molecular consequence: nonsense.
Genome position (GRCh38, 1-based): chr11:17,602,243, T>A. VCF-style: chr11-17602243-T-A. GRCh37 (hg19) VCF-style: chr11-17623790-T-A.
Other names: c.3779T>A, p.Leu1260Ter (NM_001277269.2); short protein forms L1248*, L1260*.
Identifiers: ClinVar variation 5007838 (VCV005007838.2).